The following is an entry in ClinVar:

ClinVar aggregate classification (germline): Pathogenic (1 of 4 stars; one submission).

Conditions:
Lynch syndrome 5 (LYNCH5). Also called: Colorectal cancer, hereditary nonpolyposis, type 5; Hereditary non-polyposis colorectal cancer, type 5. Identifiers: Orphanet 144, MedGen C1833477, MONDO:0013710, OMIM 614350. Disease mechanism: loss of function.

Submission:

Myriad Genetics, Inc.
Classification: Pathogenic for Lynch syndrome 5. Last evaluated: 2023-08-17. Review status: criteria provided, single submitter. Criteria: Myriad Autosomal Dominant, Autosomal Recessive and X-Linked Classification Criteria (2023). Collection method: clinical testing. Allele origin: unknown.
Comment: This variant is considered pathogenic. This variant creates a frameshift predicted to result in premature protein truncation.

NM_000179.3(MSH6):c.2441dup (p.Leu815fs)

Gene: MSH6 (mutS homolog 6; plus strand). Cytogenetic location: 2p16.3.
Variant type: Duplication.
Coding change: c.2441dup on transcript NM_000179.3 (MANE Select); coding-DNA position 2441, one base duplicated (A; older notation c.2441dupA).
Protein change: p.Leu815fs; shifts the reading frame from leucine 815.
Molecular consequence: frameshift variant. On other transcripts: non-coding transcript variant (5), intron variant (3).
Genome position (GRCh38, 1-based): chr2:47,800,424, A duplicated; the last of 2 consecutive A bases (chr2:47,800,423-47,800,424); duplicating either gives the same sequence. VCF-style (leftmost placement, unchanged base first): chr2-47800422-G-GA. GRCh37 (hg19) VCF-style: chr2-48027561-G-GA.
Other names: c.2051dup, p.Leu685fs (NM_001281492.2); c.1535dup, p.Leu513fs (NM_001281493.2, NM_001281494.2, NM_001406811.1 and 6 more transcripts); c.2537dup, p.Leu847fs (NM_001406795.1, NM_001406802.1); c.2441dup, p.Leu815fs (NM_001406796.1, NM_001406798.1, NM_001406800.1 and 2 more transcripts); c.2144dup, p.Leu716fs (NM_001406797.1, NM_001406801.1, NM_001406805.1 and 10 more transcripts); c.1916dup, p.Leu640fs (NM_001406799.1, NM_001406806.1, NM_001406807.1); c.2363dup, p.Leu789fs (NM_001406804.1); c.2447dup, p.Leu817fs (NM_001406813.1); and 4 more; short protein forms L513fs, L640fs, L685fs, L716fs, L759fs, L789fs, L815fs, L817fs.
Identifiers: ClinVar variation 2673772 (VCV002673772.1), dbSNP rs2530672615, ClinGen allele CA2695200544.